The following is an entry in ClinVar:

ClinVar aggregate classification (germline): Uncertain significance (1 of 4 stars; one submission).

Conditions:
Holoprosencephaly 3 (HPE3). Identifiers: Orphanet 2162, MedGen C1840529, MONDO:0007733, OMIM 142945.

Submission:

Labcorp Genetics (formerly Invitae), Labcorp
Classification: Uncertain significance for Holoprosencephaly 3. Last evaluated: 2024-01-15. Review status: criteria provided, single submitter. Criteria: Invitae Variant Classification Sherloc (09022015). Collection method: clinical testing. Allele origin: germline.
Comment: This variant occurs in a non-coding region of the SHH gene. It does not change the encoded amino acid sequence of the SHH protein. This variant is not present in population databases (gnomAD no frequency). This variant has not been reported in the literature in individuals affected with SHH-related conditions. Experimental studies and prediction algorithms are not available or were not evaluated, and the effect of this variant on mRNA splicing is currently unknown. In summary, the available evidence is currently insufficient to determine the role of this variant in disease. Therefore, it has been classified as a Variant of Uncertain Significance.

NC_000007.14:g.156769204del

Genes: LMBR1 (limb development membrane protein 1; minus strand), SHH (sonic hedgehog signaling molecule; minus strand). Cytogenetic location: 7q36.3.
Variant type: Deletion.
Molecular consequence: intron variant (on NM_022458.4).
Genome position: GRCh38 VCF-style: chr7-156769202-AC-A. GRCh37 (hg19) VCF-style: chr7-156561896-AC-A.
Other names: c.361-5408del (NM_001363412.2); c.145-5408del (NM_001350954.2); c.424-5408del (NM_001363410.2, NM_022458.4, NM_001363409.2 and 1 more transcripts); c.-33-5408del (NM_001350958.2, NM_001350956.2, NM_001350955.2 and 1 more transcripts); c.55-5408del (NM_001350957.2, NM_001363411.2).
Identifiers: ClinVar variation 2703362 (VCV002703362.3), dbSNP rs2535836620, ClinGen allele CA2697549722.
Genomic context (GRCh38, chr7:156,769,202, plus strand): 5'-ATGGAATAAGCCCAAACACCCTACTCAAAAAGTCACCTGATGCCAGGCTCAGTAGCTCAC[AC>A]CTGTAATCCCAGTGCTTCAGGAAGCTGAGGCACCACTCATTTCAGGACTGAGACTCCTTG-3'